The following is an entry in ClinVar:

ClinVar aggregate classification (germline): Uncertain significance (1 of 4 stars; one submission).

Conditions:
Hereditary pancreatitis (PCTT). Also called: Hereditary chronic pancreatitis; PRSS1-Related Hereditary Pancreatitis. Identifiers: Orphanet 676, MedGen C0238339, MONDO:0008185, OMIM 167800.

Submission:

Labcorp Genetics (formerly Invitae), Labcorp
Classification: Uncertain significance for Hereditary pancreatitis. Last evaluated: 2020-10-05. Review status: criteria provided, single submitter. Criteria: Invitae Variant Classification Sherloc (09022015). Collection method: clinical testing. Allele origin: germline.
Comment: In summary, the available evidence is currently insufficient to determine the role of this variant in disease. Therefore, it has been classified as a Variant of Uncertain Significance. Experimental studies and prediction algorithms are not available or were not evaluated, and the functional significance of this variant is currently unknown. This variant has not been reported in the literature in individuals with PRSS1-related conditions. This variant results in a copy number gain of the genomic region encompassing exon(s) 2-5 of the PRSS1 gene. The 5' boundary is likely confined to intron 1. The 3' end of this event is unknown as it extends beyond the assayed region for this gene and therefore may encompass additional genes. As the precise location of this event is unknown, it may be in tandem or it may be located elsewhere in the genome.

NC_000007.13:g.(?_142458396)_(142460871_?)dup

Genes: TRB (T cell receptor beta locus; plus strand), PRSS1 (serine protease 1; plus strand). Cytogenetic location: 7q34.
Variant type: Duplication.
Identifiers: ClinVar variation 999572 (VCV000999572.5).